The following is an entry in ClinVar:

ClinVar aggregate classification (germline): Uncertain significance. Review status: criteria provided, multiple submitters, no conflicts (2 of 4 stars). 2 submissions from 2 submitters: Uncertain significance (2). Last evaluated 2023-11-20.

Conditions:
Ehlers-Danlos syndrome, type 4 (EDSVASC). Also called: Ehlers-Danlos Syndrome Type IV; Ehlers-Danlos syndrome vascular type; Ehlers Danlos syndrome, ecchymotic type; Ehlers Danlos syndrome, arterial type; Ehlers Danlos syndrome, Sack-Barabas type. Identifiers: Orphanet 286, MedGen C0268338, MONDO:0017314, OMIM 130050.
Familial thoracic aortic aneurysm and aortic dissection (TAAD). Also called: Thoracic aortic aneurysms and dissections. Identifiers: Orphanet 91387, MedGen C4707243, MONDO:0019625.

Allele frequency attached by ClinVar (database versions not stated): gnomAD exomes below 0.00001; gnomAD 0.00001; TOPMed 0.00001.
gnomAD v4.1: 7 of 1,613,888 alleles (0.00043%); highest among the groups gnomAD compares: South Asian, 0.0055%; no homozygotes.

Submissions (2):

Color Diagnostics, LLC DBA Color Health
Classification: Uncertain significance for Familial thoracic aortic aneurysm and aortic dissection. Last evaluated: 2023-11-20. Review status: criteria provided, single submitter. Criteria: ACMG Guidelines, 2015. Collection method: clinical testing. Allele origin: germline.
Comment: This missense variant replaces isoleucine with valine at codon 1441 of the COL3A1 protein. Computational prediction suggests that this variant may not impact protein structure and function (internally defined REVEL score threshold <= 0.5, PMID: 27666373). To our knowledge, functional studies have not been reported for this variant. This variant has not been reported in individuals affected with COL3A1-related disorders in the literature. This variant has been identified in 1/251346 chromosomes in the general population by the Genome Aggregation Database (gnomAD). The available evidence is insufficient to determine the role of this variant in disease conclusively. Therefore, this variant is classified as a Variant of Uncertain Significance.

All of Us Research Program, National Institutes of Health
Classification: Uncertain significance for Ehlers-Danlos syndrome, type 4. Last evaluated: 2023-02-24. Review status: criteria provided, single submitter. Criteria: ACMG Guidelines, 2015. Collection method: clinical testing. Allele origin: germline. Inheritance: Autosomal dominant inheritance. Observed: 1 variant allele, 1 heterozygote.
Comment: This missense variant replaces isoleucine with valine at codon 1441 of the COL3A1 protein. Computational prediction suggests that this variant may not impact protein structure and function (internally defined REVEL score threshold <= 0.5, PMID: 27666373). To our knowledge, functional studies have not been reported for this variant. This variant has not been reported in individuals affected with COL3A1-related disorders in the literature. This variant has been identified in 1/251346 chromosomes in the general population by the Genome Aggregation Database (gnomAD). The available evidence is insufficient to determine the role of this variant in disease conclusively. Therefore, this variant is classified as a Variant of Uncertain Significance.

This study involves interpretation of variants in research participants for the purpose of population health screening. Participant phenotype was not available at the time of variant classification. Additional details can be found in publication PMID: 35346344, PMCID: PMC8962531

NM_000090.4(COL3A1):c.4321A>G (p.Ile1441Val)

Gene: COL3A1 (collagen type III alpha 1 chain; plus strand). Cytogenetic location: 2q32.2.
Variant type: single nucleotide variant.
Coding change: c.4321A>G on transcript NM_000090.4 (MANE Select); coding-DNA position 4321, A replaced by G.
Protein change: p.Ile1441Val; replaces isoleucine 1441 with valine.
Molecular consequence: missense variant.
Genome position (GRCh38, 1-based): chr2:189,011,694, A>G. VCF-style: chr2-189011694-A-G. GRCh37 (hg19) VCF-style: chr2-189876420-A-G.
Other names: short protein forms I1441V.
Identifiers: ClinVar variation 2775165 (VCV002775165.3), dbSNP rs1227188905, ClinGen allele CA349850335.
Genomic context (GRCh38, chr2:189,011,694, plus strand): 5'-ACTGGGGAATGGAGCAAAACAGTCTTTGAATATCGAACACGCAAGGCTGTGAGACTACCT[A>G]TTGTAGATATTGCACCCTATGACATTGGTGGTCCTGATCAAGAATTTGGTGTGGACGTTG-3'
Protein context (NP_000081.2, residues 1431-1451): YRTRKAVRLP[Ile1441Val]VDIAPYDIGG